The following is an entry in ClinVar:

ClinVar aggregate classification (germline): Benign. Review status: criteria provided, multiple submitters, no conflicts (2 of 4 stars). 2 submissions from 2 submitters: Benign (2). Last evaluated 2018-01-13.

Conditions:
Hereditary spastic paraplegia 33. Also called: SPASTIC PARAPLEGIA 33, AUTOSOMAL DOMINANT. Identifiers: MedGen C1853251, MONDO:0012448, OMIM 610244.

Allele frequency attached by ClinVar (database versions not stated): 1000 Genomes Project 30x 0.67864; 1000 Genomes Project 0.67891; gnomAD exomes 0.69395; TOPMed 0.71720; gnomAD 0.73612 and 0.73821.
gnomAD v4.1: 113,514 of 154,308 alleles (74%); highest among the groups gnomAD compares: Middle Eastern, 82%; 42,133 homozygotes.

Submissions (2):

Illumina Laboratory Services, Illumina
Classification: Benign for Hereditary spastic paraplegia 33. Last evaluated: 2018-01-13. Review status: criteria provided, single submitter. Criteria: ICSL Variant Classification Criteria 13 December 2019. Collection method: clinical testing. Allele origin: germline.
Comment: This variant was observed in the ICSL laboratory as part of a predisposition screen in an ostensibly healthy population. It had not been previously curated by ICSL or reported in the Human Gene Mutation Database (HGMD: prior to June 1st, 2018), and was therefore a candidate for classification through an automated scoring system. Utilizing variant allele frequency, disease prevalence and penetrance estimates, and inheritance mode, an automated score was calculated to assess if this variant is too frequent to cause the disease. Based on the score and internal cut-off values, a variant classified as benign is not then subjected to further curation. The score for this variant resulted in a classification of benign for this disease.

Breakthrough Genomics
Classification: Benign. Review status: criteria provided, single submitter. Criteria: ACMG Guidelines, 2015. Collection method: not provided. Allele origin: germline. Inheritance: Autosomal dominant inheritance. Affected: yes.

NM_001385875.1(ZFYVE27):c.*696G>A

Gene: ZFYVE27 (zinc finger FYVE-type containing 27; plus strand). Cytogenetic location: 10q24.2.
Variant type: single nucleotide variant.
Coding change: c.*696G>A on transcript NM_001385875.1 (MANE Select); 696 bases downstream of the stop codon, G replaced by A.
Molecular consequence: 3 prime UTR variant. On other transcripts: non-coding transcript variant (17).
Genome position (GRCh38, 1-based): chr10:97,759,996, G>A. VCF-style: chr10-97759996-G-A. GRCh37 (hg19) VCF-style: chr10-99519753-G-A.
Other names: c.*696G>A (NM_001002261.4, NM_001002262.4, NM_001174119.2 and 39 more transcripts).
Identifiers: ClinVar variation 301850 (VCV000301850.6), dbSNP rs4244329, ClinGen allele CA10629570.